The following is an entry in ClinVar:

NM_003579.4(RAD54L):c.925T>C (p.Tyr309His)

Gene: RAD54L (RAD54 like; plus strand). Cytogenetic location: 1p34.1.
Variant type: single nucleotide variant.
Coding change: c.925T>C on transcript NM_003579.4 (MANE Select); coding-DNA position 925, T replaced by C.
Protein change: p.Tyr309His; replaces tyrosine 309 with histidine.
Molecular consequence: missense variant.
Genome position (GRCh38, 1-based): chr1:46,267,492, T>C. VCF-style: chr1-46267492-T-C. GRCh37 (hg19) VCF-style: chr1-46733164-T-C.
Other names: c.925T>C, p.Tyr309His (NM_001142548.2); c.385T>C, p.Tyr129His (NM_001370766.1); short protein forms Y129H, Y309H.
Identifiers: ClinVar variation 1766374 (VCV001766374.2), dbSNP rs2525690502, ClinGen allele CA340192132.
Genomic context (GRCh38, chr1:46,267,492, plus strand): 5'-GCGCTCTGAATAAGGATTCTCTTGCAGGGACACAGGCTCAAGAACTCTGAGAATCAGACT[T>C]ACCAAGCCCTGGACAGCTTGAACACCAGCCGGCGGGTGCTCATCTCCGGAACTCCCATCC-3'
Protein context (NP_003570.2, residues 299-319): HRLKNSENQT[Tyr309His]QALDSLNTSR

ClinVar aggregate classification (germline): Uncertain significance (1 of 4 stars; one submission).

Allele frequency attached by ClinVar (database versions not stated): gnomAD exomes below 0.00001.
gnomAD v4.1: 1 of 1,614,152 alleles (0.000062%); highest among the groups gnomAD compares: Non-Finnish European, 0.000085%; no homozygotes.

Submission:

Ambry Genetics
Classification: Uncertain significance. Last evaluated: 2022-09-12. Review status: criteria provided, single submitter. Criteria: Ambry Variant Classification Scheme 2023. Collection method: clinical testing. Allele origin: germline.
Comment: The p.Y309H variant (also known as c.925T>C), located in coding exon 9 of the RAD54L gene, results from a T to C substitution at nucleotide position 925. The tyrosine at codon 309 is replaced by histidine, an amino acid with similar properties. This amino acid position is conserved. In addition, this alteration is predicted to be deleterious by in silico analysis. Since supporting evidence is limited at this time, the clinical significance of this alteration remains unclear.